The following is an entry in ClinVar:

NM_194248.3(OTOF):c.898-1G>A

Gene: OTOF (otoferlin; minus strand). Cytogenetic location: 2p23.3.
Variant type: single nucleotide variant.
Coding change: c.898-1G>A on transcript NM_194248.3 (MANE Select); the canonical splice acceptor site of the intron before coding-DNA position 898, G replaced by A.
Molecular consequence: splice acceptor variant.
Genome position (GRCh38, 1-based): chr2:26,489,741, C>T on the plus strand (G>A on the coding strand, the complement: OTOF is on the minus strand). VCF-style: chr2-26489741-C-T. GRCh37 (hg19) VCF-style: chr2-26712609-C-T.
Other names: c.898-1G>A (NM_001287489.2).
Identifiers: ClinVar variation 4879957 (VCV004879957.1).
Genomic context (GRCh38, chr2:26,489,741, plus strand): 5'-AATCTTGATGATCTTGTCAAACATGACATCCGGAGAGACATGGAAGTCGAAGACGAAGTA[C>T]TGGAGGGGGAAGGATCCAGGCCTGCTGTCACTGAGGGCAGCAGCAACAGCCCAGGCAGTG-3'

ClinVar aggregate classification (germline): Likely pathogenic (0 of 4 stars; one submission).

Conditions:
Autosomal recessive nonsyndromic hearing loss 9. Also called: NEUROSENSORY NONSYNDROMIC RECESSIVE DEAFNESS 9; OTOF-Related Hearing Loss; Deafness, autosomal recessive 9; AUDITORY NEUROPATHY, AUTOSOMAL RECESSIVE, 1, TEMPERATURE-SENSITIVE. Identifiers: Orphanet 90636, MedGen C1832828, MONDO:0010986, OMIM 601071.

Submission:

Diagnosis and Treatment Center of Genetic Hearing Loss, Eye & ENT Hospital of Fudan University
Classification: Likely pathogenic for Autosomal recessive nonsyndromic hearing loss 9. Last evaluated: 2026-02-04. Review status: no assertion criteria provided. Collection method: clinical testing. Allele origin: germline. Inheritance: Autosomal recessive inheritance. Affected: yes.
Comment: The c.898-1G>A variant in OTOF is a splice acceptor change in intron 9, predicted to disrupt splicing (PVS1_Strong). It is absent from population databases (PM2_Supporting). It has been detected in trans with a pathogenic variant in our center (c.[5975A>G;5098G>C]) (PM3).